The following is an entry in ClinVar:

NR_003051.4(RMRP):n.82G>A

Gene: RMRP (RNA component of mitochondrial RNA processing endoribonuclease; minus strand). Cytogenetic location: 9p13.3.
Variant type: single nucleotide variant.
Molecular consequence: non-coding transcript variant (on NR_003051.4).
Genome position: GRCh38 VCF-style: chr9-35657938-C-T. GRCh37 (hg19) VCF-style: chr9-35657935-C-T.
Identifiers: ClinVar variation 4817201 (VCV004817201.1).

ClinVar aggregate classification (germline): Likely pathogenic (1 of 4 stars; one submission).

Conditions:
Metaphyseal chondrodysplasia, McKusick type (CHH). Also called: Cartilage-hair hypoplasia; Cartilage-Hair Hypoplasia (CHH). Identifiers: Orphanet 175, MedGen C0220748, MONDO:0009595, OMIM 250250.

gnomAD v4.1: 9 of 700,444 alleles (0.0013%); highest among the groups gnomAD compares: East Asian, 0.013%; no homozygotes.

Submission:

Natera, Inc.
Classification: Likely pathogenic for Cartilage-hair hypoplasia. Last evaluated: 2025-08-08. Review status: criteria provided, single submitter. Criteria: Natera Variant Classification Schema (03/2026). Collection method: clinical testing. Allele origin: germline.
Comment: The n.81G>A variant in RMRP is characterized as a single nucleotide variant (SNV). This variant is rare in the general population with a frequency below the threshold expected for the associated phenotype(s). This variant has been observed in one or more individuals affected with the associated recessive disease, as either homozygous or compound heterozygous with a second variant (PMID: 33303724, 38337186, 16838329). Additionally, this variant has been observed to segregate in affected family members (PMID: 38337186). This variant has been identified in one or more affected individuals with a phenotype highly consistent with the associated gene (PMID: 38337186). Given the available evidence, this variant is classified as Likely Pathogenic.

Literature cited by the submitters: PubMed 33303724; PubMed 38337186; PubMed 16838329.